The following is an entry in ClinVar:

ClinVar aggregate classification (germline): Likely benign. Review status: criteria provided, multiple submitters, no conflicts (2 of 4 stars). 3 submissions from 3 submitters: Likely benign (2). 1 of the submissions does not count toward it. Last evaluated 2024-02-02.

Conditions:
Fanconi anemia (FA). Also called: Fanconi's anemia. Identifiers: Orphanet 84, MedGen C0015625, MeSH D005199, MONDO:0019391.

Allele frequency attached by ClinVar (database versions not stated): gnomAD 0.00001; gnomAD exomes 0.00001; TOPMed 0.00002; ExAC 0.00006.
gnomAD v4.1: 21 of 1,552,370 alleles (0.0014%); highest among the groups gnomAD compares: Non-Finnish European, 0.0017%; no homozygotes.

Submissions (3):

Labcorp Genetics (formerly Invitae), Labcorp
Classification: Likely benign for Fanconi anemia. Last evaluated: 2024-02-02. Review status: criteria provided, single submitter. Criteria: Invitae Variant Classification Sherloc (09022015). Collection method: clinical testing. Allele origin: germline.

Genetic Services Laboratory, University of Chicago
Classification: Likely benign. Last evaluated: 2016-05-05. Review status: criteria provided, single submitter. Criteria: ACMG Guidelines, 2015. Collection method: clinical testing. Allele origin: germline. Affected: no.

Leiden Open Variation Database
Classification: Likely benign. Last evaluated: 2012-08-31. Review status: no assertion criteria provided. Collection method: curation. Allele origin: germline. Affected: yes. Not counted in ClinVar's aggregate classification.
Comment: Curator: Arleen D. Auerbach. Submitter to LOVD: Janine Bakker.

Literature cited by the submitters: PubMed 22911665 (cited by Leiden Open Variation Database).

NM_032444.4(SLX4):c.1845C>T (p.Leu615=)

Gene: SLX4 (SLX4 structure-specific endonuclease subunit; minus strand). Cytogenetic location: 16p13.3.
Variant type: single nucleotide variant.
Coding change: c.1845C>T on transcript NM_032444.4 (MANE Select); coding-DNA position 1845, C replaced by T.
Protein change: p.Leu615=; no amino-acid change (leucine 615 retained).
Molecular consequence: synonymous variant.
Genome position (GRCh38, 1-based): chr16:3,596,232, G>A on the plus strand (C>T on the coding strand, the complement: SLX4 is on the minus strand). VCF-style: chr16-3596232-G-A. GRCh37 (hg19) VCF-style: chr16-3646233-G-A.
Other names: c.1845C>T (LRG_503t1).
Identifiers: ClinVar variation 436784 (VCV000436784.14), dbSNP rs1056084, ClinGen allele CA7866400.